The following is an entry in ClinVar:

ClinVar aggregate classification (germline): Likely pathogenic (1 of 4 stars; one submission).
ClinVar aggregate classification (oncogenicity): Uncertain significance (1 of 4 stars; one submission).

Conditions:
Hereditary cancer-predisposing syndrome. Also called: Neoplastic Syndromes, Hereditary; Tumor predisposition; Hereditary Cancer Syndrome; Hereditary neoplastic syndrome. Identifiers: Orphanet 140162, MedGen C0027672, MeSH D009386, MONDO:0015356.
Familial thoracic aortic aneurysm and aortic dissection (TAAD). Also called: Thoracic aortic aneurysms and dissections. Identifiers: Orphanet 91387, MedGen C4707243, MONDO:0019625.
Neoplasm. Also called: tumor; Neoplasms; Neoplasm (disease). Identifiers: MedGen C0027651, MeSH D009369, MONDO:0005070, HP:0002664.

Submissions (2):

Ambry Genetics
Classification: Likely pathogenic for Hereditary cancer-predisposing syndrome; Familial thoracic aortic aneurysm and aortic dissection. Last evaluated: 2026-05-07. Review status: criteria provided, single submitter. Criteria: Ambry Variant Classification Scheme 2023. Collection method: clinical testing. Allele origin: germline.
Comment: The p.P356L variant (also known as c.1067C>T), located in coding exon 8 of the SMAD4 gene, results from a C to T substitution at nucleotide position 1067. The proline at codon 356 is replaced by leucine, an amino acid with similar properties. This variant was reported in individual(s) with features consistent with hereditary hemorrhagic telangiectasia (Ambry internal data). This amino acid position is highly conserved in available vertebrate species. In addition, this alteration is predicted to be deleterious by in silico analysis. This missense variant is located in a region that has a low rate of benign missense variation (Lek M et al. Nature. 2016 Aug 18;536(7616):285-91; DECIPHER: Database of Chromosomal Imbalance and Phenotype in Humans using Ensembl Resources. Firth H.V. et al. 2009. Am.J.Hum.Genet. 84, 524-533 (DOI)). This variant is considered to be rare based on population cohorts in the Genome Aggregation Database (gnomAD). Based on the majority of available evidence to date, this variant is likely to be pathogenic.

Center for Genomic Medicine, Rigshospitalet, Copenhagen University Hospital
Classification: Uncertain significance for Neoplasm. Last evaluated: 2025-12-29. Review status: criteria provided, single submitter. Criteria: ClinGen/CGC/VICC Guidelines for Oncogenicity, 2022. Collection method: clinical testing. Allele origin: somatic. Affected: yes.

NM_005359.6(SMAD4):c.1067C>T (p.Pro356Leu)

Gene: SMAD4 (SMAD family member 4; plus strand). Cytogenetic location: 18q21.2.
Variant type: single nucleotide variant.
Coding change: c.1067C>T on transcript NM_005359.6 (MANE Select); coding-DNA position 1067, C replaced by T.
Protein change: p.Pro356Leu; replaces proline 356 with leucine.
Molecular consequence: missense variant.
Genome position (GRCh38, 1-based): chr18:51,065,534, C>T. VCF-style: chr18-51065534-C-T. GRCh37 (hg19) VCF-style: chr18-48591904-C-T.
Other names: c.1067C>T, p.Pro356Leu (NM_001407041.1, NM_001407042.1, NM_001407043.1); short protein forms P356L.
Identifiers: ClinVar variation 1782219 (VCV001782219.4), dbSNP rs2144447281, ClinGen allele CA402464317.